The following is an entry in ClinVar:

NM_007194.4(CHEK2):c.1178C>A (p.Pro393His)

Gene: CHEK2 (checkpoint kinase 2; minus strand). Cytogenetic location: 22q12.1.
Variant type: single nucleotide variant.
Coding change: c.1178C>A on transcript NM_007194.4 (MANE Select); coding-DNA position 1178, C replaced by A.
Protein change: p.Pro393His; replaces proline 393 with histidine.
Molecular consequence: missense variant.
Genome position (GRCh38, 1-based): chr22:28,695,791, G>T on the plus strand (C>A on the coding strand, the complement: CHEK2 is on the minus strand). VCF-style: chr22-28695791-G-T. GRCh37 (hg19) VCF-style: chr22-29091779-G-T.
Other names: c.1307C>A, p.Pro436His (NM_001005735.3); c.515C>A, p.Pro172His (NM_001257387.3); c.977C>A, p.Pro326His (NM_001349956.3); c.1091C>A, p.Pro364His (NM_145862.3); short protein forms P326H, P364H, P436H, P172H, P393H.
Identifiers: ClinVar variation 3492165 (VCV003492165.1).

ClinVar aggregate classification (germline): Uncertain significance (1 of 4 stars; one submission).

Conditions:
Hereditary cancer-predisposing syndrome. Also called: Tumor predisposition; Neoplastic Syndromes, Hereditary; Hereditary Cancer Syndrome; Hereditary neoplastic syndrome. Identifiers: Orphanet 140162, MedGen C0027672, MeSH D009386, MONDO:0015356.

Submission:

Ambry Genetics
Classification: Uncertain significance for Hereditary cancer-predisposing syndrome. Last evaluated: 2024-11-22. Review status: criteria provided, single submitter. Criteria: Ambry Variant Classification Scheme 2023. Collection method: clinical testing. Allele origin: germline.
Comment: The p.P393H variant (also known as c.1178C>A), located in coding exon 10 of the CHEK2 gene, results from a C to A substitution at nucleotide position 1178. The proline at codon 393 is replaced by histidine, an amino acid with similar properties. This amino acid position is highly conserved in available vertebrate species. In addition, this alteration is predicted to be deleterious by in silico analysis. Based on the available evidence, the clinical significance of this variant remains unclear.